The following is an entry in ClinVar:

ClinVar aggregate classification (germline): Likely pathogenic. Review status: criteria provided, multiple submitters, no conflicts (2 of 4 stars). 2 submissions from 2 submitters: Likely pathogenic (2). Last evaluated 2024-03-27.

Conditions:
Intellectual disability. Also called: Intellectual functioning disability; Intellectual developmental disorder; intellectual disabilities. Identifiers: MedGen C3714756, MeSH D008607, MONDO:0001071, HP:0001249.
Paediatric disorders.

Allele frequency attached by ClinVar (database versions not stated): gnomAD exomes below 0.00001.
gnomAD v4.1: 1 of 1,209,826 alleles (0.000083%); highest among the groups gnomAD compares: Non-Finnish European, 0.00011%; no homozygotes.

Submissions (2):

North West Genomic Laboratory Hub, Manchester University NHS Foundation Trust
Classification: Likely pathogenic for Paediatric disorders. Last evaluated: 2024-03-27. Review status: criteria provided, single submitter. Criteria: ACGS Best Practice Guidelines for Variant Classification in Rare Disease 2020. Collection method: clinical testing. Allele origin: germline. Affected: yes.
Comment: PS3_Mod PM2_Mod PP3_Supp PS4_Mod

Centre de Biologie Pathologie Génétique, Centre Hospitalier Universitaire de Lille
Classification: Likely pathogenic for Intellectual disability. Last evaluated: 2021-04-06. Review status: criteria provided, single submitter. Criteria: ACMG Guidelines, 2015. Collection method: clinical testing. Allele origin: maternal. Inheritance: X-linked recessive inheritance. Affected: yes.

NM_173495.3(PTCHD1):c.95C>G (p.Pro32Arg)

Gene: PTCHD1 (patched domain containing 1; plus strand). Cytogenetic location: Xp22.11.
Variant type: single nucleotide variant.
Coding change: c.95C>G on transcript NM_173495.3 (MANE Select); coding-DNA position 95, C replaced by G.
Protein change: p.Pro32Arg; replaces proline 32 with arginine.
Molecular consequence: missense variant.
Genome position (GRCh38, 1-based): chrX:23,334,970, C>G. VCF-style: chrX-23334970-C-G. GRCh37 (hg19) VCF-style: chrX-23353087-C-G.
Other names: short protein forms P32R.
Identifiers: ClinVar variation 1064443 (VCV001064443.2), dbSNP rs1569130365, ClinGen allele CA412578926.